The following is an entry in ClinVar:

NM_020433.5(JPH2):c.958G>A (p.Asp320Asn)

Gene: JPH2 (junctophilin 2; minus strand). Cytogenetic location: 20q13.12.
Variant type: single nucleotide variant.
Coding change: c.958G>A on transcript NM_020433.5 (MANE Select); coding-DNA position 958, G replaced by A.
Protein change: p.Asp320Asn; replaces aspartic acid 320 with asparagine.
Molecular consequence: missense variant.
Genome position (GRCh38, 1-based): chr20:44,159,829, C>T on the plus strand (G>A on the coding strand, the complement: JPH2 is on the minus strand). VCF-style: chr20-44159829-C-T. GRCh37 (hg19) VCF-style: chr20-42788469-C-T.
Other names: short protein forms D320N.
Identifiers: ClinVar variation 1402462 (VCV001402462.8), dbSNP rs2072593559, ClinGen allele CA409093304.

ClinVar aggregate classification (germline): Uncertain significance (1 of 4 stars; one submission).

Conditions:
Hypertrophic cardiomyopathy. Also called: HYPERTROPHIC MYOCARDIOPATHY. Identifiers: Orphanet 217569, MedGen C0007194, MeSH D002312, MONDO:0005045, HP:0001639.

Allele frequency attached by ClinVar (database versions not stated): TOPMed below 0.00001.

Submission:

Labcorp Genetics (formerly Invitae), Labcorp
Classification: Uncertain significance for Hypertrophic cardiomyopathy. Last evaluated: 2025-12-08. Review status: criteria provided, single submitter. Criteria: Invitae Variant Classification Sherloc (09022015). Collection method: clinical testing. Allele origin: germline.
Comment: This sequence change replaces aspartic acid, which is acidic and polar, with asparagine, which is neutral and polar, at codon 320 of the JPH2 protein (p.Asp320Asn). This variant is not present in population databases (gnomAD no frequency). This variant has not been reported in the literature in individuals affected with JPH2-related conditions. ClinVar contains an entry for this variant (Variation ID: 1402462). An algorithm developed to predict the effect of missense changes on protein structure and function (PolyPhen-2) suggests that this variant is likely to be disruptive. In summary, the available evidence is currently insufficient to determine the role of this variant in disease. Therefore, it has been classified as a Variant of Uncertain Significance.